The following is an entry in ClinVar:

NM_002615.7(SERPINF1):c.206G>A (p.Arg69Gln)

Genes: SERPINF1 (serpin family F member 1; plus strand), LOC130059891 (ATAC-STARR-seq lymphoblastoid active region 11456; plus strand). Cytogenetic location: 17p13.3.
Variant type: single nucleotide variant.
Coding change: c.206G>A on transcript NM_002615.7 (MANE Select); coding-DNA position 206, G replaced by A.
Protein change: p.Arg69Gln; replaces arginine 69 with glutamine.
Molecular consequence: missense variant. On other transcripts: 5 prime UTR variant (1).
Genome position (GRCh38, 1-based): chr17:1,769,973, G>A. VCF-style: chr17-1769973-G-A. GRCh37 (hg19) VCF-style: chr17-1673267-G-A.
Other names: c.206G>A, p.Arg69Gln (NM_001329903.2); c.-356G>A (NM_001329904.2); short protein forms R69Q.
Identifiers: ClinVar variation 1934859 (VCV001934859.5), dbSNP rs151059657, ClinGen allele CA286843459.
Genomic context (GRCh38, chr17:1,769,973, plus strand): 5'-TCCCCGTGAACAAGCTGGCAGCGGCTGTCTCCAACTTCGGCTATGACCTGTACCGGGTGC[G>A]ATCCAGCACGAGCCCCACGACCAACGTGCTCCTGTCTCCTCTCAGTGTGGCCACGGCCCT-3'
Protein context (NP_002606.3, residues 59-79): SNFGYDLYRV[Arg69Gln]SSTSPTTNVL

ClinVar aggregate classification (germline): Uncertain significance (1 of 4 stars; one submission).

Allele frequency attached by ClinVar (database versions not stated): gnomAD exomes below 0.00001; gnomAD 0.00001; TOPMed 0.00001; ESP Exome Variant Server 0.00008.
gnomAD v4.1: 3 of 1,614,002 alleles (0.00019%); highest among the groups gnomAD compares: African/African-American, 0.0013%; no homozygotes.

Submission:

Labcorp Genetics (formerly Invitae), Labcorp
Classification: Uncertain significance. Last evaluated: 2022-03-11. Review status: criteria provided, single submitter. Criteria: Invitae Variant Classification Sherloc (09022015). Collection method: clinical testing. Allele origin: germline.
Comment: This sequence change replaces arginine, which is basic and polar, with glutamine, which is neutral and polar, at codon 69 of the SERPINF1 protein (p.Arg69Gln). This variant is not present in population databases (gnomAD no frequency). This variant has not been reported in the literature in individuals affected with SERPINF1-related conditions. Algorithms developed to predict the effect of missense changes on protein structure and function output the following: SIFT: "Not Available"; PolyPhen-2: "Benign"; Align-GVGD: "Not Available". The glutamine amino acid residue is found in multiple mammalian species, which suggests that this missense change does not adversely affect protein function. In summary, the available evidence is currently insufficient to determine the role of this variant in disease. Therefore, it has been classified as a Variant of Uncertain Significance.